The following is an entry in ClinVar:

NM_004360.5(CDH1):c.673A>G (p.Ile225Val)

Gene: CDH1 (cadherin 1; plus strand). Cytogenetic location: 16q22.1.
Variant type: single nucleotide variant.
Coding change: c.673A>G on transcript NM_004360.5 (MANE Select); coding-DNA position 673, A replaced by G.
Protein change: p.Ile225Val; replaces isoleucine 225 with valine.
Molecular consequence: missense variant. On other transcripts: 5 prime UTR variant (2).
Genome position (GRCh38, 1-based): chr16:68,808,834, A>G. VCF-style: chr16-68808834-A-G. GRCh37 (hg19) VCF-style: chr16-68842737-A-G.
Other names: c.673A>G, p.Ile225Val (NM_001317184.2); c.-943A>G (NM_001317185.2); c.-1147A>G (NM_001317186.2); short protein forms I225V.
Identifiers: ClinVar variation 826588 (VCV000826588.14), dbSNP rs1555515290, ClinGen allele CA396458131.

ClinVar aggregate classification (germline): Uncertain significance. Review status: criteria provided, multiple submitters, no conflicts (2 of 4 stars). 3 submissions from 3 submitters: Uncertain significance (3). Last evaluated 2025-12-29.

Conditions:
Hereditary cancer-predisposing syndrome. Also called: Neoplastic Syndromes, Hereditary; Hereditary Cancer Syndrome; Hereditary neoplastic syndrome; Tumor predisposition. Identifiers: Orphanet 140162, MedGen C0027672, MeSH D009386, MONDO:0015356.
Hereditary diffuse gastric adenocarcinoma (HDGC). Also called: DIFFUSE GASTRIC AND LOBULAR BREAST CANCER SYNDROME. Identifiers: Orphanet 26106, MedGen C1708349, MONDO:0007648, OMIM 137215.

Submissions (3):

Center for Genomic Medicine, Rigshospitalet, Copenhagen University Hospital
Classification: Uncertain significance. Last evaluated: 2025-12-29. Review status: criteria provided, single submitter. Criteria: ACMG Guidelines, 2015. Collection method: clinical testing. Allele origin: germline.

Ambry Genetics
Classification: Uncertain significance for Hereditary cancer-predisposing syndrome. Last evaluated: 2025-07-10. Review status: criteria provided, single submitter. Criteria: Ambry Variant Classification Scheme 2023. Collection method: clinical testing. Allele origin: germline.
Comment: The p.I225V variant (also known as c.673A>G), located in coding exon 5 of the CDH1 gene, results from an A to G substitution at nucleotide position 673. The isoleucine at codon 225 is replaced by valine, an amino acid with highly similar properties. This amino acid position is well conserved in available vertebrate species. In addition, this alteration is predicted to be tolerated by in silico analysis. Based on the available evidence, the clinical significance of this variant remains unclear.

Labcorp Genetics (formerly Invitae), Labcorp
Classification: Uncertain significance for Hereditary diffuse gastric adenocarcinoma. Last evaluated: 2024-02-12. Review status: criteria provided, single submitter. Criteria: Invitae Variant Classification Sherloc (09022015). Collection method: clinical testing. Allele origin: germline.
Comment: This sequence change replaces isoleucine, which is neutral and non-polar, with valine, which is neutral and non-polar, at codon 225 of the CDH1 protein (p.Ile225Val). This variant is not present in population databases (gnomAD no frequency). This variant has not been reported in the literature in individuals affected with CDH1-related conditions. ClinVar contains an entry for this variant (Variation ID: 826588). An algorithm developed to predict the effect of missense changes on protein structure and function (PolyPhen-2) suggests that this variant is likely to be tolerated. In summary, the available evidence is currently insufficient to determine the role of this variant in disease. Therefore, it has been classified as a Variant of Uncertain Significance.